The following is an entry in ClinVar:

NM_001292063.2(OTOG):c.5758C>T (p.Pro1920Ser)

Gene: OTOG (otogelin; plus strand). Cytogenetic location: 11p15.1.
Variant type: single nucleotide variant.
Coding change: c.5758C>T on transcript NM_001292063.2 (MANE Select); coding-DNA position 5758, C replaced by T.
Protein change: p.Pro1920Ser; replaces proline 1920 with serine.
Molecular consequence: missense variant.
Genome position (GRCh38, 1-based): chr11:17,611,058, C>T. VCF-style: chr11-17611058-C-T. GRCh37 (hg19) VCF-style: chr11-17632605-C-T.
Other names: c.5794C>T, p.Pro1932Ser (NM_001277269.2); short protein forms P1920S, P1932S.
Identifiers: ClinVar variation 1365967 (VCV001365967.9), dbSNP rs1446581241, ClinGen allele CA379801520.

ClinVar aggregate classification (germline): Uncertain significance (1 of 4 stars; one submission).

Allele frequency attached by ClinVar (database versions not stated): gnomAD 0.00001; gnomAD exomes 0.00001 and 0.00002; TOPMed 0.00003.
gnomAD v4.1: 28 of 1,550,542 alleles (0.0018%); highest among the groups gnomAD compares: Non-Finnish European, 0.0024%; no homozygotes.

Submission:

Labcorp Genetics (formerly Invitae), Labcorp
Classification: Uncertain significance. Last evaluated: 2024-08-12. Review status: criteria provided, single submitter. Criteria: Invitae Variant Classification Sherloc (09022015). Collection method: clinical testing. Allele origin: germline.
Comment: This sequence change replaces proline, which is neutral and non-polar, with serine, which is neutral and polar, at codon 1932 of the OTOG protein (p.Pro1932Ser). The frequency data for this variant in the population databases is considered unreliable, as metrics indicate poor data quality at this position in the gnomAD database. This variant has not been reported in the literature in individuals affected with OTOG-related conditions. ClinVar contains an entry for this variant (Variation ID: 1365967). An algorithm developed to predict the effect of missense changes on protein structure and function outputs the following: PolyPhen-2: "Benign". The serine amino acid residue is found in multiple mammalian species, which suggests that this missense change does not adversely affect protein function. In summary, the available evidence is currently insufficient to determine the role of this variant in disease. Therefore, it has been classified as a Variant of Uncertain Significance.